The following is an entry in ClinVar:

ClinVar aggregate classification (germline): Uncertain significance (1 of 4 stars; one submission).

gnomAD v4.1: 2 of 1,609,182 alleles (0.00012%); highest among the groups gnomAD compares: Non-Finnish European, 0.00017%; no homozygotes.

Submission:

GeneDx
Classification: Uncertain significance. Last evaluated: 2024-06-12. Review status: criteria provided, single submitter. Criteria: GeneDx Variant Classification Process June 2021. Collection method: clinical testing. Allele origin: germline. Affected: yes.
Comment: Not observed at significant frequency in large population cohorts (gnomAD); In silico analysis supports that this missense variant has a deleterious effect on protein structure/function; Has not been previously published as pathogenic or benign to our knowledge; In silico analysis suggests this variant may impact gene splicing. In the absence of RNA/functional studies, the actual effect of this sequence change is unknown.

NM_018896.5(CACNA1G):c.6410G>C (p.Arg2137Thr)

Gene: CACNA1G (calcium voltage-gated channel subunit alpha1 G; plus strand). Cytogenetic location: 17q21.33.
Variant type: single nucleotide variant.
Coding change: c.6410G>C on transcript NM_018896.5 (MANE Select); coding-DNA position 6410, G replaced by C.
Protein change: p.Arg2137Thr; replaces arginine 2137 with threonine.
Molecular consequence: missense variant. On other transcripts: non-coding transcript variant (5).
Genome position (GRCh38, 1-based): chr17:50,626,027, G>C. VCF-style: chr17-50626027-G-C. GRCh37 (hg19) VCF-style: chr17-48703388-G-C.
Other names: c.6221G>C, p.Arg2074Thr (NM_001256324.2); c.6152G>C, p.Arg2051Thr (NM_001256325.2); c.6140G>C, p.Arg2047Thr (NM_001256326.2); c.6110G>C, p.Arg2037Thr (NM_001256327.2); c.6056G>C, p.Arg2019Thr (NM_001256328.2); c.6029G>C, p.Arg2010Thr (NM_001256329.2, NM_198376.3, NM_198387.3); c.5996G>C, p.Arg1999Thr (NM_001256330.2); c.5975G>C, p.Arg1992Thr (NM_001256331.2); and 15 more; short protein forms R1987T, R1992T, R1999T, R2003T, R2006T, R2008T, R2010T, R2017T.
Identifiers: ClinVar variation 3390600 (VCV003390600.1).